The following is an entry in ClinVar:

ClinVar aggregate classification (germline): Likely benign (1 of 4 stars; one submission).

Allele frequency attached by ClinVar (database versions not stated): gnomAD exomes 0.00001.
gnomAD v4.1: 4 of 1,211,948 alleles (0.00033%); highest among the groups gnomAD compares: Non-Finnish European, 0.00045%; no homozygotes.

Submission:

GeneDx
Classification: Likely benign. Last evaluated: 2020-10-23. Review status: criteria provided, single submitter. Criteria: GeneDx Variant Classification Process June 2021. Collection method: clinical testing. Allele origin: germline. Affected: yes.
Comment: Not observed in large population cohorts (Lek et al., 2016); In silico analysis, which includes protein predictors and evolutionary conservation, supports that this variant does not alter protein structure/function; Has not been previously published as pathogenic or benign to our knowledge

NM_152424.4(AMER1):c.2713G>A (p.Glu905Lys)

Gene: AMER1 (APC membrane recruitment protein 1; minus strand). Cytogenetic location: Xq11.2.
Variant type: single nucleotide variant.
Coding change: c.2713G>A on transcript NM_152424.4 (MANE Select); coding-DNA position 2713, G replaced by A.
Protein change: p.Glu905Lys; replaces glutamic acid 905 with lysine.
Molecular consequence: missense variant.
Genome position (GRCh38, 1-based): chrX:64,190,574, C>T on the plus strand (G>A on the coding strand, the complement: AMER1 is on the minus strand). VCF-style: chrX-64190574-C-T. GRCh37 (hg19) VCF-style: chrX-63410454-C-T.
Other names: short protein forms E905K.
Identifiers: ClinVar variation 1218955 (VCV001218955.3), dbSNP rs2147085463, ClinGen allele CA413302358.
Genomic context (GRCh38, chrX:64,190,574, plus strand): 5'-GCTGGGCCTGCAGCTCATCAGACTCGAGGTAGCCCTGGACCAAGTGGGAATTGGAGAGCT[C>T]CATCTCCAGGGTCTCTGCAGTGTCGAGAGAGCGGCTTCTCCTGTTGAGGGCCATAGCAGC-3'
Protein context (NP_689637.3, residues 895-915): SLDTAETLEM[Glu905Lys]LSNSHLVQGY